The following is an entry in ClinVar:

ClinVar aggregate classification (germline): Pathogenic (1 of 4 stars; one submission).

Conditions:
Neurofibromatosis, type 1 (NF1). Also called: VON RECKLINGHAUSEN DISEASE; Peripheral type neurofibromatosis; NEUROFIBROMATOSIS, TYPE I, SOMATIC; Neurofibromatosis, type I. Identifiers: Orphanet 636, MedGen C0027831, MONDO:0018975, OMIM 162200. Disease mechanism: loss of function.

Submission:

Labcorp Genetics (formerly Invitae), Labcorp
Classification: Pathogenic for Neurofibromatosis, type 1. Last evaluated: 2025-10-18. Review status: criteria provided, single submitter. Criteria: Invitae Variant Classification Sherloc (09022015). Collection method: clinical testing. Allele origin: germline.
Comment: This sequence change creates a premature translational stop signal (p.Glu1696*) in the NF1 gene. It is expected to result in an absent or disrupted protein product. Loss-of-function variants in NF1 are known to be pathogenic (PMID: 10712197, 23913538). This variant is not present in population databases (gnomAD no frequency). This variant has not been reported in the literature in individuals affected with NF1-related conditions. Algorithms developed to predict the effect of sequence changes on RNA splicing suggest that this variant may disrupt the consensus splice site. For these reasons, this variant has been classified as Pathogenic.

Literature cited by the submitters: PubMed 10712197; PubMed 23913538.

NM_001042492.3(NF1):c.5149G>T (p.Glu1717Ter)

Gene: NF1 (neurofibromin 1; plus strand). Cytogenetic location: 17q11.2.
Variant type: single nucleotide variant.
Coding change: c.5149G>T on transcript NM_001042492.3 (MANE Select); coding-DNA position 5149, G replaced by T.
Protein change: p.Glu1717Ter; replaces glutamic acid 1717 with a stop codon.
Molecular consequence: nonsense.
Genome position (GRCh38, 1-based): chr17:31,326,133, G>T. VCF-style: chr17-31326133-G-T. GRCh37 (hg19) VCF-style: chr17-29653151-G-T.
Other names: c.5086G>T, p.Glu1696Ter (NM_000267.4); short protein forms E1717*, E1696*.
Identifiers: ClinVar variation 4729422 (VCV004729422.1).